The following is an entry in ClinVar:

ClinVar aggregate classification (germline): Likely benign. Review status: criteria provided, multiple submitters, no conflicts (2 of 4 stars). 2 submissions from 2 submitters: Likely benign (2). Last evaluated 2026-03-19.

Conditions:
PNKP-related disorder. Also called: PNKP-related condition; PNKP-related disorders.
Developmental and epileptic encephalopathy, 12 (DEE12). Identifiers: MedGen C3150988, MONDO:0013389, OMIM 613722.

Allele frequency attached by ClinVar (database versions not stated): ExAC 0.00001; gnomAD exomes 0.00003; ESP Exome Variant Server 0.00008.

Submissions (2):

PreventionGenetics, part of Exact Sciences
Classification: Likely benign for PNKP-related condition. Last evaluated: 2026-03-19. Review status: criteria provided, single submitter. Criteria: ACMG Guidelines, 2015. Collection method: clinical testing. Allele origin: germline.
Comment: This variant is classified as likely benign based on ACMG/AMP sequence variant interpretation guidelines (Richards et al. 2015 PMID: 25741868, with internal and published modifications).

Labcorp Genetics (formerly Invitae), Labcorp
Classification: Likely benign for Developmental and epileptic encephalopathy, 12. Last evaluated: 2023-07-16. Review status: criteria provided, single submitter. Criteria: Invitae Variant Classification Sherloc (09022015). Collection method: clinical testing. Allele origin: germline.

NM_007254.4(PNKP):c.609C>G (p.Leu203=)

Gene: PNKP (polynucleotide kinase 3'-phosphatase; minus strand). Cytogenetic location: 19q13.33.
Variant type: single nucleotide variant.
Coding change: c.609C>G on transcript NM_007254.4 (MANE Select); coding-DNA position 609, C replaced by G.
Protein change: p.Leu203=; no amino-acid change (leucine 203 retained).
Molecular consequence: synonymous variant.
Genome position (GRCh38, 1-based): chr19:49,864,206, G>C on the plus strand (C>G on the coding strand, the complement: PNKP is on the minus strand). VCF-style: chr19-49864206-G-C. GRCh37 (hg19) VCF-style: chr19-50367463-G-C.
Other names: c.609C>G (NM_007254.3).
Identifiers: ClinVar variation 2889999 (VCV002889999.4), dbSNP rs367553967, ClinGen allele CA9586870.